The following is an entry in ClinVar:

NM_016327.3(UPB1):c.873+1G>A

Gene: UPB1 (beta-ureidopropionase 1; plus strand). Cytogenetic location: 22q11.23.
Variant type: single nucleotide variant.
Coding change: c.873+1G>A on transcript NM_016327.3 (MANE Select); the canonical splice donor site of the intron after coding-DNA position 873, G replaced by A.
Molecular consequence: splice donor variant.
Genome position (GRCh38, 1-based): chr22:24,520,469, G>A. VCF-style: chr22-24520469-G-A. GRCh37 (hg19) VCF-style: chr22-24916437-G-A.
Identifiers: ClinVar variation 280025 (VCV000280025.19), dbSNP rs747539101, ClinGen allele CA10153382.

ClinVar aggregate classification (germline): Pathogenic/Likely pathogenic. Review status: criteria provided, multiple submitters, no conflicts (2 of 4 stars). 5 submissions from 5 submitters: Pathogenic (2); Likely pathogenic (3). Last evaluated 2025-05-16.

Conditions:
Deficiency of beta-ureidopropionase (UPB1D). Also called: Beta-ureidopropionase deficiency. Identifiers: Orphanet 65287, MedGen C1291512, MONDO:0013164, OMIM 613161.

Allele frequency attached by ClinVar (database versions not stated): gnomAD 0.00002 and 0.00009; TOPMed 0.00003; gnomAD exomes 0.00017 and 0.00025; ExAC 0.00030.
gnomAD v4.1: 247 of 1,613,462 alleles (0.015%); highest among the groups gnomAD compares: South Asian, 0.23%; 1 homozygote.

Submissions (6):

Victorian Clinical Genetics Services, Murdoch Childrens Research Institute
Classification: Pathogenic for Deficiency of beta-ureidopropionase. Last evaluated: 2025-05-16. Review status: criteria provided, single submitter. Criteria: ACMG Guidelines, 2015. Collection method: clinical testing. Allele origin: germline. Affected: yes.
Comment: This variant is classified as Pathogenic. Evidence in support of pathogenic classification: Canonical splice site variant without proven consequence on splicing (no functional evidence available); Variant is present in gnomAD <0.01 for a recessive condition (v4: 245 heterozygote(s), 1 homozygote(s)); This variant has strong previous evidence of pathogenicity in unrelated individuals. This variant has been classified as pathogenic/likely pathogenic by clinical laboratories in ClinVar, and previously reported in individuals with UPB1-related features (DECIPHER, PMID: 22525402); Abnormal splicing is predicted by in silico tool and affected nucleotide is highly conserved. Additional information: This variant is homozygous; This gene is associated with autosomal recessive disease; No published functional evidence has been identified for this variant; No comparable canonical splice variants have previous evidence for pathogenicity; Loss of function is a known mechanism of disease in this gene and is associated with beta-ureidopropionase deficiency (MIM#613161); Variants in this gene are known to have variable expressivity. Individuals with pathogenic variants in UPB1 can range from being affected with severe neurological involvement with intellectual disability and seizures to having normal neurological development (PMID: 35151535).

Labcorp Genetics (formerly Invitae), Labcorp
Classification: Likely pathogenic. Last evaluated: 2025-04-07. Review status: criteria provided, single submitter. Criteria: Invitae Variant Classification Sherloc (09022015). Collection method: clinical testing. Allele origin: germline.
Comment: This sequence change affects a donor splice site in intron 7 of the UPB1 gene. It is expected to disrupt RNA splicing. Variants that disrupt the donor or acceptor splice site typically lead to a loss of protein function (PMID: 16199547), and loss-of-function variants in UPB1 are known to be pathogenic (PMID: 15385443, 22525402). This variant is present in population databases (rs747539101, gnomAD 0.2%). Disruption of this splice site has been observed in individual(s) with ß-ureidopropionase deficiency (PMID: 22525402). ClinVar contains an entry for this variant (Variation ID: 280025). Algorithms developed to predict the effect of sequence changes on RNA splicing suggest that this variant may disrupt the consensus splice site. In summary, the currently available evidence indicates that the variant is pathogenic, but additional data are needed to prove that conclusively. Therefore, this variant has been classified as Likely Pathogenic.

Revvity Omics, Revvity
Classification: Likely pathogenic for Deficiency of beta-ureidopropionase. Last evaluated: 2024-11-22. Review status: criteria provided, single submitter. Criteria: ACMG Guidelines, 2015. Collection method: clinical testing. Allele origin: germline.

GeneDx
Classification: Pathogenic. Last evaluated: 2024-09-16. Review status: criteria provided, single submitter. Criteria: GeneDx Variant Classification Process June 2021. Collection method: clinical testing. Allele origin: germline. Affected: yes.
Comment: Canonical splice site variant predicted to result in a null allele in a gene for which loss of function is a known mechanism of disease; This variant is associated with the following publications: (PMID: 24526388, 22525402, 34426522, 35046417, 35926322)

Department of Pathology and Laboratory Medicine, Sinai Health System
Classification: Likely pathogenic for Deficiency of beta-ureidopropionase. Last evaluated: 2023-04-18. Review status: criteria provided, single submitter. Criteria: ACMG Guidelines, 2015. Collection method: research. Allele origin: germline.

Dr. Peter K. Rogan Lab, Western University
No classification provided (evidence only). Condition: Hepatocellular carcinoma. Review status: no classification provided. Collection method: in vitro. Allele origin: not applicable. Functional consequence: skipped exon. Not counted in ClinVar's aggregate classification.

Literature cited by the submitters: PubMed 35151535 (cited by Victorian Clinical Genetics Services, Murdoch Childrens Research Institute); PubMed 22525402 (cited by Victorian Clinical Genetics Services, Murdoch Childrens Research Institute and Labcorp Genetics (formerly Invitae), Labcorp); PubMed 16199547 (cited by Labcorp Genetics (formerly Invitae), Labcorp); PubMed 15385443 (cited by Labcorp Genetics (formerly Invitae), Labcorp).